The following is an entry in ClinVar:

ClinVar aggregate classification (germline): Conflicting classifications of pathogenicity. Review status: criteria provided, conflicting classifications (1 of 4 stars). 8 submissions from 8 submitters: Uncertain significance (1); Benign (1); Likely benign (5). 1 of the submissions does not count toward it. Last evaluated 2025-09-27.

Conditions:
Hereditary nonpolyposis colorectal neoplasms. Identifiers: MedGen C0009405, MeSH D003123.
Lynch syndrome. Identifiers: Orphanet 144, MedGen C4552100, MONDO:0005835. Disease mechanism: loss of function.
Malignant tumor of breast. Also called: Malignant breast neoplasm; Cancer breast. Identifiers: MedGen C0006142, MONDO:0007254. Disease mechanism: loss of function.
Hereditary cancer-predisposing syndrome. Also called: Tumor predisposition; Hereditary Cancer Syndrome; Neoplastic Syndromes, Hereditary; Hereditary neoplastic syndrome. Identifiers: Orphanet 140162, MedGen C0027672, MeSH D009386, MONDO:0015356.
Lynch syndrome 5 (LYNCH5). Also called: Colorectal cancer, hereditary nonpolyposis, type 5; Hereditary non-polyposis colorectal cancer, type 5. Identifiers: Orphanet 144, MedGen C1833477, MONDO:0013710, OMIM 614350. Disease mechanism: loss of function.

Allele frequency attached by ClinVar (database versions not stated): 1000 Genomes Project 0.00040; 1000 Genomes Project 30x 0.00047.
gnomAD v4.1: 63 of 1,607,316 alleles (0.0039%); highest among the groups gnomAD compares: South Asian, 0.06%; no homozygotes.

Submissions (8):

Labcorp Genetics (formerly Invitae), Labcorp
Classification: Benign for Hereditary nonpolyposis colorectal neoplasms. Last evaluated: 2025-09-27. Review status: criteria provided, single submitter. Criteria: Invitae Variant Classification Sherloc (09022015). Collection method: clinical testing. Allele origin: germline.

Blueprint Genetics
Classification: Likely benign. Last evaluated: 2024-03-01. Review status: criteria provided, single submitter. Criteria: ACMG Guidelines, 2015. Collection method: clinical testing. Allele origin: germline.

All of Us Research Program, National Institutes of Health
Classification: Likely benign for Lynch syndrome. Last evaluated: 2023-03-04. Review status: criteria provided, single submitter. Criteria: ACMG Guidelines, 2015. Collection method: clinical testing. Allele origin: germline. Inheritance: Autosomal dominant inheritance. Observed: 2 variant alleles, 2 heterozygotes.
Comment: This study involves interpretation of variants in research participants for the purpose of population health screening. Participant phenotype was not available at the time of variant classification. Additional details can be found in publication PMID: 35346344, PMCID: PMC8962531

Sema4
Classification: Likely benign for Hereditary cancer-predisposing syndrome. Last evaluated: 2021-11-29. Review status: criteria provided, single submitter. Criteria: Sema4 Curation Guidelines. Collection method: curation. Allele origin: germline.

GeneDx
Classification: Likely benign. Last evaluated: 2021-11-04. Review status: criteria provided, single submitter. Criteria: GeneDx Variant Classification Process June 2021. Collection method: clinical testing. Allele origin: germline. Affected: yes.

Illumina Laboratory Services, Illumina
Classification: Uncertain significance for Lynch syndrome 5. Last evaluated: 2018-01-13. Review status: criteria provided, single submitter. Criteria: ICSL Variant Classification Criteria 13 December 2019. Collection method: clinical testing. Allele origin: germline.

Color Diagnostics, LLC DBA Color Health
Classification: Likely benign for Hereditary cancer-predisposing syndrome. Last evaluated: 2016-05-22. Review status: criteria provided, single submitter. Criteria: ACMG Guidelines, 2015. Collection method: clinical testing. Allele origin: germline.

Department of Pathology and Laboratory Medicine, Sinai Health System
Classification: Likely benign for Malignant tumor of breast. Review status: no assertion criteria provided. Collection method: clinical testing. Allele origin: unknown. Affected: yes. Observed: 1 variant allele. Study: The Canadian Open Genetics Repository (COGR). Not counted in ClinVar's aggregate classification.
Comment: The MSH6 c.628-13C>G variant was not identified in the literature nor was it identified in the GeneInsight-COGR, Cosmic, UMD-LSDB, Zhejiang University, Mismatch Repair Genes Variant Database, MMR Gene Unclassified Variants Database, or Insight Hereditary Tumors databases. The variant was identified in dbSNP (ID: rs538280815), ClinVar (classified as likely benign by Color Genomics and GeneDx), and Clinvitae databases. The variant was identified in control databases in 25 of 237946 chromosomes at a frequency of 0.0001 (Genome Aggregation Database Feb 27, 2017). The variant was identified in South Asian population in 25 of 30692 chromosomes (freq: 0.001), while the variant was not observed in the African, Other, Latino, European, Ashkenazi Jewish, East Asian, or Finnish populations. The variant occurs outside of the splicing consensus sequence and in silico or computational prediction software programs (SpliceSiteFinder, MaxEntScan, NNSPLICE, GeneSplicer, HumanSpliceFinder) do not predict a difference in splicing. In summary, based on the above information the clinical significance of this variant cannot be determined with certainty at this time although we would lean towards a more benign role for this variant. This variant is classified as likely benign.

NM_000179.3(MSH6):c.628-13C>G

Gene: MSH6 (mutS homolog 6; plus strand). Cytogenetic location: 2p16.3.
Variant type: single nucleotide variant.
Coding change: c.628-13C>G on transcript NM_000179.3 (MANE Select); 13 bases into the intron before coding-DNA position 628, C replaced by G.
Molecular consequence: intron variant.
Genome position (GRCh38, 1-based): chr2:47,798,598, C>G. VCF-style: chr2-47798598-C-G. GRCh37 (hg19) VCF-style: chr2-48025737-C-G.
Other names: c.-279-13C>G (NM_001281493.2); c.238-13C>G (NM_001281492.2); c.-275-17C>G (NM_001281494.2).
Identifiers: ClinVar variation 491985 (VCV000491985.21), dbSNP rs538280815, ClinGen allele CA073220.